The following is an entry in ClinVar:

NM_004168.4(SDHA):c.48G>C (p.Leu16=)

Gene: SDHA (succinate dehydrogenase complex flavoprotein subunit A; plus strand). Cytogenetic location: 5p15.33.
Variant type: single nucleotide variant.
Coding change: c.48G>C on transcript NM_004168.4 (MANE Select); coding-DNA position 48, G replaced by C.
Protein change: p.Leu16=; no amino-acid change (leucine 16 retained).
Molecular consequence: synonymous variant.
Genome position (GRCh38, 1-based): chr5:218,403, G>C. VCF-style: chr5-218403-G-C. GRCh37 (hg19) VCF-style: chr5-218518-G-C.
Other names: c.48G>C, p.Leu16= (NM_001294332.2, NM_001330758.2).
Identifiers: ClinVar variation 1640775 (VCV001640775.11), dbSNP rs2126522691, ClinGen allele CA442689565.
Genomic context (GRCh38, chr5:218,403, plus strand): 5'-GGCAACAGCAGACATGTCGGGGGTCCGGGGCCTGTCGCGGCTGCTGAGCGCTCGGCGCCT[G>C]GCGCTGGCCAAGGCGGTGAGTCCGTGCCGCGGACCGGGGCGGGGCAGGCGGGGGCCGAGG-3'
Protein context (NP_004159.2, residues 6-26): GLSRLLSARR[Leu16=]ALAKAWPTVL

ClinVar aggregate classification (germline): Benign/Likely benign. Review status: criteria provided, multiple submitters, no conflicts (2 of 4 stars). 3 submissions from 3 submitters: Benign (1); Likely benign (2). Last evaluated 2025-02-28.

Conditions:
Pheochromocytoma/paraganglioma syndrome 5. Also called: Paragangliomas 5; SDHA-Related Hereditary Paraganglioma-Pheochromocytoma Syndrome. Identifiers: Orphanet 29072, MedGen C3279992, MONDO:0013602, OMIM 614165.
Mitochondrial complex II deficiency, nuclear type 1. Also called: SUCCINATE CoQ REDUCTASE DEFICIENCY. Identifiers: Orphanet 3208, MedGen C5700310, MONDO:0100294, OMIM 252011.
Hereditary cancer-predisposing syndrome. Also called: Tumor predisposition; Hereditary Cancer Syndrome; Hereditary neoplastic syndrome; Neoplastic Syndromes, Hereditary. Identifiers: Orphanet 140162, MedGen C0027672, MeSH D009386, MONDO:0015356.

Submissions (3):

Myriad Genetics, Inc.
Classification: Benign for Pheochromocytoma/paraganglioma syndrome 5. Last evaluated: 2025-02-28. Review status: criteria provided, single submitter. Criteria: Myriad Autosomal Dominant, Autosomal Recessive and X-Linked Classification Criteria (2023). Collection method: clinical testing. Allele origin: unknown.
Comment: This variant is considered benign. This variant is a silent/synonymous amino acid change and it is not expected to impact splicing.

Labcorp Genetics (formerly Invitae), Labcorp
Classification: Likely benign for Pheochromocytoma/paraganglioma syndrome 5; Mitochondrial complex II deficiency, nuclear type 1. Last evaluated: 2024-06-17. Review status: criteria provided, single submitter. Criteria: Invitae Variant Classification Sherloc (09022015). Collection method: clinical testing. Allele origin: germline.

Ambry Genetics
Classification: Likely benign for Hereditary cancer-predisposing syndrome. Last evaluated: 2022-10-05. Review status: criteria provided, single submitter. Criteria: Ambry Variant Classification Scheme 2023. Collection method: clinical testing. Allele origin: germline.